The following is an entry in ClinVar:

NM_052859.4(RFT1):c.1101C>T (p.Ser367=)

Gene: RFT1 (RFT1 glycolipid translocator homolog; minus strand). Cytogenetic location: 3p21.1.
Variant type: single nucleotide variant.
Coding change: c.1101C>T on transcript NM_052859.4 (MANE Select); coding-DNA position 1101, C replaced by T.
Protein change: p.Ser367=; no amino-acid change (serine 367 retained).
Molecular consequence: synonymous variant.
Genome position (GRCh38, 1-based): chr3:53,103,954, G>A on the plus strand (C>T on the coding strand, the complement: RFT1 is on the minus strand). VCF-style: chr3-53103954-G-A. GRCh37 (hg19) VCF-style: chr3-53137970-G-A.
Identifiers: ClinVar variation 346186 (VCV000346186.10), dbSNP rs139445704, ClinGen allele CA2451250.

ClinVar aggregate classification (germline): Uncertain significance. Review status: criteria provided, multiple submitters, no conflicts (2 of 4 stars). 3 submissions from 3 submitters: Uncertain significance (3). Last evaluated 2022-08-22.

Conditions:
RFT1-congenital disorder of glycosylation (CDG1N). Also called: Congenital disorder of glycosylation type In; CDG In; RFT1-CDG. Identifiers: Orphanet 244310, MedGen C2677590, MONDO:0012783, OMIM 612015.

Allele frequency attached by ClinVar (database versions not stated): gnomAD exomes 0.00009 and 0.00019; TOPMed 0.00011; ExAC 0.00014; ESP Exome Variant Server 0.00015; gnomAD 0.00015.
gnomAD v4.1: 288 of 1,614,154 alleles (0.018%); highest among the groups gnomAD compares: Non-Finnish European, 0.023%; no homozygotes.

Submissions (3):

Labcorp Genetics (formerly Invitae), Labcorp
Classification: Uncertain significance for RFT1-congenital disorder of glycosylation. Last evaluated: 2022-08-22. Review status: criteria provided, single submitter. Criteria: Invitae Variant Classification Sherloc (09022015). Collection method: clinical testing. Allele origin: germline.
Comment: This sequence change affects codon 367 of the RFT1 mRNA. It is a 'silent' change, meaning that it does not change the encoded amino acid sequence of the RFT1 protein. It affects a nucleotide within the consensus splice site. This variant is present in population databases (rs139445704, gnomAD 0.02%). This variant has not been reported in the literature in individuals affected with RFT1-related conditions. ClinVar contains an entry for this variant (Variation ID: 346186). Algorithms developed to predict the effect of sequence changes on RNA splicing suggest that this variant is not likely to affect RNA splicing. In summary, the available evidence is currently insufficient to determine the role of this variant in disease. Therefore, it has been classified as a Variant of Uncertain Significance.

Greenwood Genetic Center Diagnostic Laboratories, Greenwood Genetic Center
Classification: Uncertain significance. Last evaluated: 2021-07-23. Review status: criteria provided, single submitter. Criteria: ACMG Guidelines, 2015. Collection method: clinical testing. Allele origin: germline. Affected: yes.
Comment: PM2

Illumina Laboratory Services, Illumina
Classification: Uncertain significance for RFT1-congenital disorder of glycosylation. Last evaluated: 2018-01-12. Review status: criteria provided, single submitter. Criteria: ICSL Variant Classification Criteria 13 December 2019. Collection method: clinical testing. Allele origin: germline.